The following is an entry in ClinVar:

NM_001365951.3(KIF1B):c.4810G>A (p.Val1604Ile)

Gene: KIF1B (kinesin family member 1B; plus strand). Cytogenetic location: 1p36.22.
Variant type: single nucleotide variant.
Coding change: c.4810G>A on transcript NM_001365951.3 (MANE Select); coding-DNA position 4810, G replaced by A.
Protein change: p.Val1604Ile; replaces valine 1604 with isoleucine.
Molecular consequence: missense variant.
Genome position (GRCh38, 1-based): chr1:10,368,524, G>A. VCF-style: chr1-10368524-G-A. GRCh37 (hg19) VCF-style: chr1-10428582-G-A.
Other names: c.4810G>A, p.Val1604Ile (NM_001365952.1); c.4672G>A, p.Val1558Ile (NM_015074.3); short protein forms V1558I, V1604I.
Identifiers: ClinVar variation 917107 (VCV000917107.15), dbSNP rs769092155, ClinGen allele CA582181.

ClinVar aggregate classification (germline): Conflicting classifications of pathogenicity. Review status: criteria provided, conflicting classifications (1 of 4 stars). 4 submissions from 4 submitters: Uncertain significance (3); Benign (1). Last evaluated 2025-11-12.

Conditions:
Charcot-Marie-Tooth disease. Also called: Charcot-Marie-Tooth Hereditary Neuropathy; Charcot-Marie-Tooth Neuropathy. Identifiers: Orphanet 166, MedGen C0007959, MONDO:0015626.
Charcot-Marie-Tooth disease type 2. Also called: Charcot-Marie-Tooth type 2. Identifiers: Orphanet 64746, MedGen C0270914, MONDO:0018993.

Allele frequency attached by ClinVar (database versions not stated): gnomAD 0.00003 and 0.00004; TOPMed 0.00005; ExAC 0.00007; gnomAD exomes 0.00007.
gnomAD v4.1: 109 of 1,613,662 alleles (0.0068%); highest among the groups gnomAD compares: African/African-American, 0.0093%; no homozygotes.

Submissions (4):

Labcorp Genetics (formerly Invitae), Labcorp
Classification: Uncertain significance for Charcot-Marie-Tooth disease type 2. Last evaluated: 2025-11-12. Review status: criteria provided, single submitter. Criteria: Invitae Variant Classification Sherloc (09022015). Collection method: clinical testing. Allele origin: germline.
Comment: This sequence change replaces valine, which is neutral and non-polar, with isoleucine, which is neutral and non-polar, at codon 1558 of the KIF1B protein (p.Val1558Ile). This variant is present in population databases (rs769092155, gnomAD 0.01%). This missense change has been observed in individual(s) with clinical features of KIF1B-related conditions (PMID: 32376792). ClinVar contains an entry for this variant (Variation ID: 917107). An algorithm developed to predict the effect of missense changes on protein structure and function outputs the following: PolyPhen-2: "Benign". The isoleucine amino acid residue is found in multiple mammalian species, which suggests that this missense change does not adversely affect protein function. In summary, the available evidence is currently insufficient to determine the role of this variant in disease. Therefore, it has been classified as a Variant of Uncertain Significance.

Ambry Genetics
Classification: Benign. Last evaluated: 2020-09-25. Review status: criteria provided, single submitter. Criteria: Ambry Variant Classification Scheme 2023. Collection method: clinical testing. Allele origin: germline.

Mayo Clinic Laboratories, Mayo Clinic
Classification: Uncertain significance. Last evaluated: 2019-04-21. Review status: criteria provided, single submitter. Criteria: ACMG Guidelines, 2015. Collection method: clinical testing. Allele origin: germline. Observed: 1 variant allele.

Molecular Genetics Laboratory, London Health Sciences Centre
Classification: Uncertain significance for Charcot-Marie-Tooth disease. Review status: criteria provided, single submitter. Criteria: ACMG Guidelines, 2015. Collection method: clinical testing. Allele origin: germline. Affected: yes.

Literature cited by the submitters: PubMed 32376792 (cited by Labcorp Genetics (formerly Invitae), Labcorp).